The following is an entry in ClinVar:

ClinVar aggregate classification (germline): Pathogenic (1 of 4 stars; one submission).

Conditions:
Hereditary cancer-predisposing syndrome. Also called: Neoplastic Syndromes, Hereditary; Tumor predisposition; Hereditary Cancer Syndrome; Hereditary neoplastic syndrome. Identifiers: Orphanet 140162, MedGen C0027672, MeSH D009386, MONDO:0015356.

Submission:

Ambry Genetics
Classification: Pathogenic for Hereditary cancer-predisposing syndrome. Last evaluated: 2025-07-15. Review status: criteria provided, single submitter. Criteria: Ambry Variant Classification Scheme 2023. Collection method: clinical testing. Allele origin: germline.
Comment: The c.1981_1984delGATCinsT pathogenic mutation, located in coding exon 13 of the CTNNA1 gene, results from an in-frame deletion of GATC and insertion of T at nucleotide positions 1981 to 1984, causing a translational frameshift with a predicted alternate stop codon. This variant is considered to be rare based on population cohorts in the Genome Aggregation Database (gnomAD). This alteration is expected to result in loss of function by premature protein truncation or nonsense-mediated mRNA decay. As such, this alteration is interpreted as a disease-causing mutation.

NM_001903.5(CTNNA1):c.1981_1984delinsT (p.Asp661_Gln662delinsTer)

Gene: CTNNA1 (catenin alpha 1; plus strand). Cytogenetic location: 5q31.2.
Variant type: Indel.
Coding change: c.1981_1984delinsT on transcript NM_001903.5 (MANE Select); coding-DNA positions 1981 to 1984, GATC replaced by T.
Protein change: p.Asp661_Gln662delinsTer.
Molecular consequence: nonsense.
Genome position (GRCh38, 1-based): chr5:138,929,327-138,929,330, GATC replaced by T. VCF-style: chr5-138929327-GATC-T. GRCh37 (hg19) VCF-style: chr5-138265016-GATC-T.
Other names: c.1981_1984delinsT, p.Asp661_Gln662delinsTer (NM_001290307.3, NM_001323982.2, NM_001323983.1 and 2 more transcripts); c.1672_1675delinsT, p.Asp558_Gln559delinsTer (NM_001290309.3); c.1612_1615delinsT, p.Asp538_Gln539delinsTer (NM_001290310.3); c.871_874delinsT, p.Asp291_Gln292delinsTer (NM_001290312.1, NM_001323987.1, NM_001323988.1 and 17 more transcripts); c.1888_1891delinsT, p.Asp630_Gln631delinsTer (NM_001323986.2); c.532_535delinsT, p.Asp178_Gln179delinsTer (NM_001324006.1, NM_001324007.1, NM_001324008.1 and 2 more transcripts); c.778_781delinsT, p.Asp260_Gln261delinsTer (NM_001324011.1); c.628_631delinsT, p.Asp210_Gln211delinsTer (NM_001324012.1, NM_001324013.1).
Identifiers: ClinVar variation 1783812 (VCV001783812.3), dbSNP rs2533821748, ClinGen allele CA2580072911.
Genomic context (GRCh38, chr5:138,929,327, plus strand): 5'-TCTGACTTTGAGACAGAAGATTTTGATGTCAGAAGCAGGACGAGCGTCCAGACAGAAGAC[GATC>T]AGCTGATAGCTGGCCAGAGTGCCCGGGTAAGGAAGCGCTCCGTGGGGCAGTTCAGCTTGT-3'